The following is an entry in ClinVar:

ClinVar aggregate classification (germline): Conflicting classifications of pathogenicity. Review status: criteria provided, conflicting classifications (1 of 4 stars). 4 submissions from 4 submitters: Likely pathogenic (3); Uncertain significance (1). Last evaluated 2026-01-20.

Conditions:
PKD2-related disorder. Also called: PKD2-related condition.
Autosomal dominant polycystic kidney disease. Identifiers: Orphanet 730, MedGen C0085413, MONDO:0004691.
Polycystic kidney disease 2 (PKD2). Also called: Polycystic Kidney Disease 2, Autosomal Dominant; POLYCYSTIC KIDNEY DISEASE, ADULT, TYPE II; POLYCYSTIC KIDNEY DISEASE 2 WITH OR WITHOUT POLYCYSTIC LIVER DISEASE. Identifiers: MedGen C2751306, MONDO:0013131, OMIM 613095.

Submissions (4):

Labcorp Genetics (formerly Invitae), Labcorp
Classification: Uncertain significance for Autosomal dominant polycystic kidney disease. Last evaluated: 2026-01-20. Review status: criteria provided, single submitter. Criteria: Invitae Variant Classification Sherloc (09022015). Collection method: clinical testing. Allele origin: germline.
Comment: This variant, c.1131_1133del, results in the deletion of 1 amino acid(s) of the PKD2 protein (p.Ser378del), but otherwise preserves the integrity of the reading frame. This variant is not present in population databases (gnomAD no frequency). This variant has been observed in individual(s) with polycystic kidney disease (PMID: 17582161; internal data). ClinVar contains an entry for this variant (Variation ID: 3338795). Algorithms developed to predict the effect of variants on gene product structure and function are not available or were not evaluated for this variant. Experimental studies have shown that this variant affects PKD2 function (PMID: 37028763). In summary, the available evidence is currently insufficient to determine the role of this variant in disease. Therefore, it has been classified as a Variant of Uncertain Significance.

PreventionGenetics, part of Exact Sciences
Classification: Likely pathogenic for PKD2-related condition. Last evaluated: 2025-11-25. Review status: criteria provided, single submitter. Criteria: ACMG Guidelines, 2015. Collection method: clinical testing. Allele origin: germline.
Comment: The PKD2 c.1131_1133delTAG variant is predicted to result in an in-frame deletion (p.Ser378del). This variant was reported in an individual with autosomal dominant polycystic kidney disease (ADPKD) (Table IC, Rossetti et al. 2007. PubMed ID: 17582161). The deletion of the p.Ser378 residue was shown by a functional study to lead to a dramatic change in the local conformation and then result in a defected protein (Wang et al. 2023. PubMed ID: 37028763). This variant has not been reported in a large population database (gnomAD), indicating this variant is rare. This variant was classified as likely pathogenic in ClinVar (Variation ID: 3338795). This variant is interpreted as likely pathogenic.

GeneDx
Classification: Likely pathogenic. Last evaluated: 2025-07-10. Review status: criteria provided, single submitter. Criteria: GeneDx Variant Classification Process June 2021. Collection method: clinical testing. Allele origin: germline. Affected: yes.
Comment: Reported with a second variant (phase unknown) in a patient with polycystic kidney disease in published literature (PMID: 17582161); Not observed at significant frequency in large population cohorts (gnomAD); In silico analysis supports a deleterious effect on protein structure/function; In-frame deletion of one amino acid in a non-repeat region; This variant is associated with the following publications: (PMID: 17582161, 37028763)

Fulgent Genetics
Classification: Likely pathogenic for Polycystic kidney disease 2. Last evaluated: 2024-05-01. Review status: criteria provided, single submitter. Criteria: ACMG Guidelines, 2015. Collection method: clinical testing. Allele origin: germline.

Literature cited by the submitters: PubMed 17582161 (cited by Labcorp Genetics (formerly Invitae), Labcorp); PubMed 37028763 (cited by Labcorp Genetics (formerly Invitae), Labcorp).

NM_000297.4(PKD2):c.1128TAG[1] (p.Ser378del)

Gene: PKD2 (polycystin 2, transient receptor potential cation channel; plus strand). Cytogenetic location: 4q22.1.
Variant type: Microsatellite.
Coding change: c.1128TAG[1] on transcript NM_000297.4 (MANE Select); one copy of the 3-base unit TAG starting at c.1128; the reference has two copies in a row; one copy, 3 bases deleted; also written c.1131_1133del.
Protein change: p.Ser378del; deletes serine 378.
Molecular consequence: inframe deletion. On other transcripts: non-coding transcript variant (1).
Genome position (GRCh38, 1-based): chr4:88,043,269-88,043,271, TAG deleted; deleting any 3 consecutive bases within chr4:88,043,265-88,043,271 gives the same sequence; the position shown is the placement nearest the transcript's 3' end. VCF-style (leftmost placement, unchanged base first): chr4-88043264-GGTA-G. GRCh37 (hg19) VCF-style: chr4-88964416-GGTA-G.
Other names: c.1131_1133delTAG (NM_000297.3); c.1131_1133del (NM_000297.4); short protein forms S378del.
Identifiers: ClinVar variation 3338795 (VCV003338795.5).